The following is an entry in ClinVar:

NM_000535.7(PMS2):c.1131G>A (p.Leu377=)

Gene: PMS2 (PMS1 homolog 2, mismatch repair system component; minus strand). Cytogenetic location: 7p22.1.
Variant type: single nucleotide variant.
Coding change: c.1131G>A on transcript NM_000535.7 (MANE Select); coding-DNA position 1131, G replaced by A.
Protein change: p.Leu377=; no amino-acid change (leucine 377 retained).
Molecular consequence: synonymous variant. On other transcripts: non-coding transcript variant (1), intron variant (2).
Genome position (GRCh38, 1-based): chr7:5,989,813, C>T on the plus strand (G>A on the coding strand, the complement: PMS2 is on the minus strand). VCF-style: chr7-5989813-C-T. GRCh37 (hg19) VCF-style: chr7-6029444-C-T.
Other names: c.726G>A, p.Leu242= (NM_001322003.2, NM_001322004.2, NM_001322005.2 and 1 more transcripts); c.813G>A, p.Leu271= (NM_001322007.2, NM_001322008.2); c.198G>A, p.Leu66= (NM_001322011.2, NM_001322012.2); c.558G>A, p.Leu186= (NM_001322013.2); c.1131G>A, p.Leu377= (NM_001322014.2); c.822G>A, p.Leu274= (NM_001322015.2); c.583+2160G>A (NM_001322010.2); c.988+2160G>A (NM_001322006.2).
Identifiers: ClinVar variation 420762 (VCV000420762.13), dbSNP rs1064794687, ClinGen allele CA16618516.
Genomic context (GRCh38, chr7:5,989,813, plus strand): 5'-ATTAGCTAAAAGCTTTAGAAGCTGTTTGTACACTGTATTTTTCTTACCTTCAACATCCAG[C>T]AGTGGCTGCTGACTGACATTTAGCTTGTTGACATCACTATCAAACATTCCTATCAAAGAG-3'
Protein context (NP_000526.2, residues 367-387): VNKLNVSQQP[Leu377=]LDVEGNLIKM

ClinVar aggregate classification (germline): Conflicting classifications of pathogenicity. Review status: criteria provided, conflicting classifications (1 of 4 stars). 5 submissions from 5 submitters: Uncertain significance (2); Benign (1); Likely benign (2). Last evaluated 2026-01-05.

Conditions:
Hereditary nonpolyposis colorectal neoplasms. Identifiers: MedGen C0009405, MeSH D003123.
Lynch syndrome 4 (LYNCH4). Also called: Hereditary non-polyposis colorectal cancer, type 4; Colorectal cancer, hereditary nonpolyposis, type 4. Identifiers: Orphanet 144, MedGen C1838333, MONDO:0013699, OMIM 614337. Disease mechanism: loss of function.
Hereditary cancer-predisposing syndrome. Also called: Hereditary neoplastic syndrome; Tumor predisposition; Neoplastic Syndromes, Hereditary; Hereditary Cancer Syndrome. Identifiers: Orphanet 140162, MedGen C0027672, MeSH D009386, MONDO:0015356.

Allele frequency attached by ClinVar (database versions not stated): gnomAD exomes below 0.00001.
gnomAD v4.1: 1 of 1,612,406 alleles (0.000062%); highest among the groups gnomAD compares: African/African-American, 0.0013%; no homozygotes.

Submissions (5):

Labcorp Genetics (formerly Invitae), Labcorp
Classification: Likely benign for Hereditary nonpolyposis colorectal neoplasms. Last evaluated: 2026-01-05. Review status: criteria provided, single submitter. Criteria: Invitae Variant Classification Sherloc (09022015). Collection method: clinical testing. Allele origin: germline.

Ambry Genetics
Classification: Likely benign for Hereditary cancer-predisposing syndrome. Last evaluated: 2025-10-11. Review status: criteria provided, single submitter. Criteria: Ambry Variant Classification Scheme 2023. Collection method: clinical testing. Allele origin: germline.

Myriad Genetics, Inc.
Classification: Benign for Lynch syndrome 4. Last evaluated: 2025-01-29. Review status: criteria provided, single submitter. Criteria: Myriad Autosomal Dominant, Autosomal Recessive and X-Linked Classification Criteria (2023). Collection method: clinical testing. Allele origin: unknown.
Comment: This variant is considered benign. This variant is a silent/synonymous amino acid change and it is not expected to impact splicing.

Quest Diagnostics Nichols Institute San Juan Capistrano
Classification: Uncertain significance. Last evaluated: 2017-03-15. Review status: criteria provided, single submitter. Criteria: Quest Diagnostics criteria. Collection method: clinical testing. Allele origin: germline.

GeneDx
Classification: Uncertain significance. Last evaluated: 2016-03-23. Review status: criteria provided, single submitter. Criteria: GeneDx Variant Classification (06012015). Collection method: clinical testing. Allele origin: germline. Affected: yes.
Comment: This variant is denoted PMS2 c.1131G>A at the DNA level. This variant is silent at the coding level, preserving a Leucine at codon 377. It is not predicted to cause abnormal splicing. This variant has not, to our knowledge, been published in the literature as being pathogenic or benign. PMS2 c.1131G>A was not observed in approximately 6,500 individuals of European and African American ancestry in the NHLBI Exome Sequencing Project, indicating it is not a common benign variant in these populations. The nucleotide which is altered, a guanine (G) at base 1131, is conserved in mammals. Based on currently available information, it is unclear whether PMS2 c.1131G>A is a pathogenic or benign variant. We consider it to be a variant of uncertain significance.